The following is an entry in ClinVar:

ClinVar aggregate classification (germline): Likely benign (1 of 4 stars; one submission).

Conditions:
Familial isolated arrhythmogenic right ventricular dysplasia. Identifiers: Orphanet 217656, MedGen C4274968, MONDO:0016342.

Submission:

All of Us Research Program, National Institutes of Health
Classification: Likely benign for Familial isolated arrhythmogenic right ventricular dysplasia. Last evaluated: 2023-11-20. Review status: criteria provided, single submitter. Criteria: ACMG Guidelines, 2015. Collection method: clinical testing. Allele origin: germline. Inheritance: Autosomal dominant inheritance. Observed: 1 variant allele, 1 heterozygote.
Comment: This study involves interpretation of variants in research participants for the purpose of population health screening. Participant phenotype was not available at the time of variant classification. Additional details can be found in publication PMID: 35346344, PMCID: PMC8962531

NM_024422.6(DSC2):c.2049A>G (p.Pro683=)

Gene: DSC2 (desmocollin 2; minus strand). Cytogenetic location: 18q12.1.
Variant type: single nucleotide variant.
Coding change: c.2049A>G on transcript NM_024422.6 (MANE Select); coding-DNA position 2049, A replaced by G.
Protein change: p.Pro683=; no amino-acid change (proline 683 retained).
Molecular consequence: synonymous variant.
Genome position (GRCh38, 1-based): chr18:31,071,681, T>C on the plus strand (A>G on the coding strand, the complement: DSC2 is on the minus strand). VCF-style: chr18-31071681-T-C. GRCh37 (hg19) VCF-style: chr18-28651647-T-C.
Other names: c.1620A>G, p.Pro540= (NM_001406506.1, NM_001406507.1); c.2049A>G, p.Pro683= (NM_004949.5).
Identifiers: ClinVar variation 3074436 (VCV003074436.1), dbSNP rs1441983479, ClinGen allele CA503527750.